The following is an entry in ClinVar:

NM_002582.4(PARN):c.1169T>G (p.Phe390Cys)

Gene: PARN (poly(A)-specific ribonuclease; minus strand). Cytogenetic location: 16p13.12.
Variant type: single nucleotide variant.
Coding change: c.1169T>G on transcript NM_002582.4 (MANE Select); coding-DNA position 1169, T replaced by G.
Protein change: p.Phe390Cys; replaces phenylalanine 390 with cysteine.
Molecular consequence: missense variant.
Genome position (GRCh38, 1-based): chr16:14,582,204, A>C on the plus strand (T>G on the coding strand, the complement: PARN is on the minus strand). VCF-style: chr16-14582204-A-C. GRCh37 (hg19) VCF-style: chr16-14676061-A-C.
Other names: c.986T>G, p.Phe329Cys (NM_001134477.3); c.1031T>G, p.Phe344Cys (NM_001242992.2); short protein forms F344C, F329C, F390C.
Identifiers: ClinVar variation 2053815 (VCV002053815.4), dbSNP rs2507835909, ClinGen allele CA394801573.

ClinVar aggregate classification (germline): Uncertain significance (1 of 4 stars; one submission).

Conditions:
Pulmonary fibrosis and/or bone marrow failure, Telomere-related, 4. Also called: PULMONARY FIBROSIS AND/OR BONE MARROW FAILURE SYNDROME, TELOMERE-RELATED, 4. Identifiers: Orphanet 2032, MedGen C4225347, MONDO:0014612, OMIM 616371.
Dyskeratosis congenita, autosomal recessive 6 (DKCB6). Identifiers: MedGen C4225356, MONDO:0014600, OMIM 616353.

Submission:

Labcorp Genetics (formerly Invitae), Labcorp
Classification: Uncertain significance for Dyskeratosis congenita, autosomal recessive 6; Pulmonary fibrosis and/or bone marrow failure, Telomere-related, 4. Last evaluated: 2024-07-22. Review status: criteria provided, single submitter. Criteria: Invitae Variant Classification Sherloc (09022015). Collection method: clinical testing. Allele origin: germline.
Comment: This sequence change replaces phenylalanine, which is neutral and non-polar, with cysteine, which is neutral and slightly polar, at codon 390 of the PARN protein (p.Phe390Cys). This variant is not present in population databases (gnomAD no frequency). This variant has not been reported in the literature in individuals affected with PARN-related conditions. ClinVar contains an entry for this variant (Variation ID: 2053815). Advanced modeling of protein sequence and biophysical properties (such as structural, functional, and spatial information, amino acid conservation, physicochemical variation, residue mobility, and thermodynamic stability) performed at Invitae indicates that this missense variant is expected to disrupt PARN protein function with a positive predictive value of 80%. In summary, the available evidence is currently insufficient to determine the role of this variant in disease. Therefore, it has been classified as a Variant of Uncertain Significance.